The following is an entry in ClinVar:

ClinVar aggregate classification (germline): Uncertain significance. Review status: criteria provided, multiple submitters, no conflicts (2 of 4 stars). 2 submissions from 2 submitters: Uncertain significance (2). Last evaluated 2024-10-27.

Submissions (2):

Labcorp Genetics (formerly Invitae), Labcorp
Classification: Uncertain significance. Last evaluated: 2024-10-27. Review status: criteria provided, single submitter. Criteria: Invitae Variant Classification Sherloc (09022015). Collection method: clinical testing. Allele origin: germline.
Comment: This variant, c.154_168del, results in the deletion of 5 amino acid(s) of the SP7 protein (p.Asp53_Ser57del), but otherwise preserves the integrity of the reading frame. This variant is present in population databases (no rsID available, gnomAD 0.01%). This variant has not been reported in the literature in individuals affected with SP7-related conditions. ClinVar contains an entry for this variant (Variation ID: 1305484). Experimental studies and prediction algorithms are not available or were not evaluated, and the functional significance of this variant is currently unknown. In summary, the available evidence is currently insufficient to determine the role of this variant in disease. Therefore, it has been classified as a Variant of Uncertain Significance.

GeneDx
Classification: Uncertain significance. Last evaluated: 2019-04-29. Review status: criteria provided, single submitter. Criteria: GeneDx Variant Classification Process June 2021. Collection method: clinical testing. Allele origin: germline. Affected: yes.
Comment: In-frame deletion of 5 amino acids in a non-repeat region; In silico analysis, which includes protein predictors and evolutionary conservation, supports a deleterious effect; Has not been previously published as pathogenic or benign to our knowledge

NM_001173467.3(SP7):c.154_168del (p.Asp53_Ser57del)

Gene: SP7 (Sp7 transcription factor; minus strand). Cytogenetic location: 12q13.13.
Variant type: Deletion.
Coding change: c.154_168del on transcript NM_001173467.3 (MANE Select); coding-DNA positions 154 to 168, 15 bases deleted (AGTGACCTTTCAGCC).
Protein change: p.Asp53_Ser57del.
Molecular consequence: inframe deletion.
Genome position (GRCh38, 1-based): chr12:53,329,274-53,329,288, GGCTGAAAGGTCACT deleted on the plus strand (AGTGACCTTTCAGCC on the coding strand, the reverse complement: SP7 is on the minus strand); deleting any 15 consecutive bases within chr12:53,329,274-53,329,289 gives the same sequence; the c. name uses the placement nearest the transcript's 3' end. VCF-style (leftmost placement, unchanged base first): chr12-53329273-AGGCTGAAAGGTCACT-A. GRCh37 (hg19) VCF-style: chr12-53723057-AGGCTGAAAGGTCACT-A.
Other names: c.100_114del, p.Asp35_Ser39del (NM_001300837.2); c.154_168del, p.Asp53_Ser57del (NM_152860.2).
Identifiers: ClinVar variation 1305484 (VCV001305484.4), dbSNP rs995094897, ClinGen allele CA237346747.